The following is an entry in ClinVar:

NM_004415.4(DSP):c.7870G>T (p.Asp2624Tyr)

Gene: DSP (desmoplakin; plus strand). Cytogenetic location: 6p24.3.
Variant type: single nucleotide variant.
Coding change: c.7870G>T on transcript NM_004415.4 (MANE Select); coding-DNA position 7870, G replaced by T.
Protein change: p.Asp2624Tyr; replaces aspartic acid 2624 with tyrosine.
Molecular consequence: missense variant.
Genome position (GRCh38, 1-based): chr6:7,585,132, G>T. VCF-style: chr6-7585132-G-T. GRCh37 (hg19) VCF-style: chr6-7585365-G-T.
Other names: c.6073G>T, p.Asp2025Tyr (NM_001008844.3); c.6541G>T, p.Asp2181Tyr (NM_001319034.2); short protein forms D2025Y, D2624Y, D2181Y.
Identifiers: ClinVar variation 4245140 (VCV004245140.2).

ClinVar aggregate classification (germline): Uncertain significance (1 of 4 stars; one submission).

Conditions:
Cardiovascular phenotype. Identifiers: MedGen CN230736.

Submission:

Ambry Genetics
Classification: Uncertain significance for Cardiovascular phenotype. Last evaluated: 2025-10-02. Review status: criteria provided, single submitter. Criteria: Ambry Variant Classification Scheme 2023. Collection method: clinical testing. Allele origin: germline.
Comment: The p.D2624Y variant (also known as c.7870G>T), located in coding exon 24 of the DSP gene, results from a G to T substitution at nucleotide position 7870. The aspartic acid at codon 2624 is replaced by tyrosine, an amino acid with highly dissimilar properties. This amino acid position is highly conserved in available vertebrate species. In addition, this alteration is predicted to be deleterious by in silico analysis. Based on the available evidence, the clinical significance of this variant remains unclear.